The following is an entry in ClinVar:

ClinVar aggregate classification (germline): Uncertain significance (1 of 4 stars; one submission).

Conditions:
Emery-Dreifuss muscular dystrophy 4, autosomal dominant (EDMD4). Also called: EMERY-DREIFUSS MUSCULAR DYSTROPHY 4 WITH VARIABLE FEATURES. Identifiers: Orphanet 261, MedGen C2751807, MONDO:0013071, OMIM 612998.

Submission:

Neuberg Centre For Genomic Medicine, NCGM
Classification: Uncertain significance for Emery-Dreifuss muscular dystrophy 4, autosomal dominant. Last evaluated: 2023-06-22. Review status: criteria provided, single submitter. Criteria: ACMG Guidelines, 2015. Collection method: clinical testing. Allele origin: germline. Inheritance: Autosomal dominant inheritance. Affected: yes.
Comment: The observed missense c.12476G>T(p.Arg4159Met) variant in SYNE1 gene has not been reported previously as a pathogenic variant nor as a benign variant, to our knowledge. This variant is absent in gnomAD Exomes. The amino acid Arg at position 4159 is changed to a Met changing protein sequence and it might alter its composition and physico-chemical properties. The amino acid change p.Arg4159Met in SYNE1 is predicted as conserved by GERP++ and PhyloP across 100 vertebrates. Multiple lines of computational evidence (Polyphen - Damaging, SIFT - Damaging, and MutationTaster - Disease causing) predict a damaging effect on protein structure and function for this variant. For these reasons, this variant has been classified as Uncertain Significance.

NM_182961.4(SYNE1):c.12476G>T (p.Arg4159Met)

Gene: SYNE1 (spectrin repeat containing nuclear envelope protein 1; minus strand). Cytogenetic location: 6q25.2.
Variant type: single nucleotide variant.
Coding change: c.12476G>T on transcript NM_182961.4 (MANE Select); coding-DNA position 12476, G replaced by T.
Protein change: p.Arg4159Met; replaces arginine 4159 with methionine.
Molecular consequence: missense variant.
Genome position (GRCh38, 1-based): chr6:152,336,893, C>A on the plus strand (G>T on the coding strand, the complement: SYNE1 is on the minus strand). VCF-style: chr6-152336893-C-A. GRCh37 (hg19) VCF-style: chr6-152658028-C-A.
Other names: c.12263G>T, p.Arg4088Met (NM_033071.5); short protein forms R4088M, R4159M.
Identifiers: ClinVar variation 3377579 (VCV003377579.1).